The following is an entry in ClinVar:

NM_000548.5(TSC2):c.2640-10C>G

Gene: TSC2 (TSC complex subunit 2; plus strand). Cytogenetic location: 16p13.3.
Variant type: single nucleotide variant.
Coding change: c.2640-10C>G on transcript NM_000548.5 (MANE Select); 10 bases into the intron before coding-DNA position 2640, C replaced by G.
Molecular consequence: intron variant.
Genome position (GRCh38, 1-based): chr16:2,076,058, C>G. VCF-style: chr16-2076058-C-G. GRCh37 (hg19) VCF-style: chr16-2126059-C-G.
Other names: c.2640-10C>G (NM_001114382.3, NM_021055.3, NM_001370405.1 and 3 more transcripts); c.2529-10C>G (NM_001318827.2); c.2040-10C>G (NM_001318831.2); c.2493-10C>G (NM_001318829.2); c.2673-10C>G (NM_001318832.2).
Identifiers: ClinVar variation 384424 (VCV000384424.15), dbSNP rs964883731, ClinGen allele CA16608050.

ClinVar aggregate classification (germline): Conflicting classifications of pathogenicity. Review status: criteria provided, conflicting classifications (1 of 4 stars). 4 submissions from 4 submitters: Uncertain significance (1); Likely benign (3). Last evaluated 2025-11-17.

Conditions:
Tuberous sclerosis 2 (TSC2). Identifiers: Orphanet 805, MedGen C1860707, MONDO:0013199, OMIM 613254.
Tuberous sclerosis syndrome (TSC). Also called: Tuberous sclerosis; Tuberous Sclerosis Complex. Identifiers: Orphanet 805, MedGen C0041341, MONDO:0001734.

Allele frequency attached by ClinVar (database versions not stated): gnomAD exomes below 0.00001; gnomAD 0.00001; TOPMed 0.00001.
gnomAD v4.1: 3 of 1,613,810 alleles (0.00019%); highest among the groups gnomAD compares: Admixed American, 0.0017%; no homozygotes.

Submissions (4):

Labcorp Genetics (formerly Invitae), Labcorp
Classification: Likely benign for Tuberous sclerosis 2. Last evaluated: 2025-11-17. Review status: criteria provided, single submitter. Criteria: Invitae Variant Classification Sherloc (09022015). Collection method: clinical testing. Allele origin: germline.

Color Diagnostics, LLC DBA Color Health
Classification: Uncertain significance for Tuberous sclerosis syndrome. Last evaluated: 2025-06-25. Review status: criteria provided, single submitter. Criteria: ACMG Guidelines, 2015. Collection method: clinical testing. Allele origin: germline.
Comment: This variant causes a C to G nucleotide substitution at the -10 position of intron 23/41 of the TSC2 gene. To our knowledge, functional studies have not been reported for this variant. This variant has not been reported in individuals affected with TSC2-related disorders in the literature. This variant has been identified in 1/250682 chromosomes in the general population by the Genome Aggregation Database (gnomAD). The available evidence is insufficient to determine the role of this variant in disease conclusively. Therefore, this variant is classified as a Variant of Uncertain Significance.

Genome-Nilou Lab
Classification: Likely benign for Tuberous sclerosis 2. Last evaluated: 2021-11-07. Review status: criteria provided, single submitter. Criteria: ACMG Guidelines, 2015. Collection method: clinical testing. Allele origin: germline. Affected: no.

GeneDx
Classification: Likely benign. Last evaluated: 2019-07-18. Review status: criteria provided, single submitter. Criteria: GeneDx Variant Classification Process June 2021. Collection method: clinical testing. Allele origin: germline. Affected: yes.